The following is an entry in ClinVar:

ClinVar aggregate classification (germline): Uncertain significance (1 of 4 stars; one submission).

Submission:

Ambry Genetics
Classification: Uncertain significance. Last evaluated: 2024-06-03. Review status: criteria provided, single submitter. Criteria: Ambry Variant Classification Scheme 2023. Collection method: clinical testing. Allele origin: germline.
Comment: The p.F253L variant (also known as c.759C>A), located in coding exon 6 of the PDLIM3 gene, results from a C to A substitution at nucleotide position 759. The phenylalanine at codon 253 is replaced by leucine, an amino acid with highly similar properties. This amino acid position is conserved. In addition, the in silico prediction for this alteration is inconclusive. Based on the available evidence, the clinical significance of this variant remains unclear.

NM_014476.6(PDLIM3):c.759C>A (p.Phe253Leu)

Gene: PDLIM3 (PDZ and LIM domain 3; minus strand). Cytogenetic location: 4q35.1.
Variant type: single nucleotide variant.
Coding change: c.759C>A on transcript NM_014476.6 (MANE Select); coding-DNA position 759, C replaced by A.
Protein change: p.Phe253Leu; replaces phenylalanine 253 with leucine.
Molecular consequence: missense variant. On other transcripts: non-coding transcript variant (1).
Genome position (GRCh38, 1-based): chr4:185,506,556, G>T on the plus strand (C>A on the coding strand, the complement: PDLIM3 is on the minus strand). VCF-style: chr4-185506556-G-T. GRCh37 (hg19) VCF-style: chr4-186427710-G-T.
Other names: c.615C>A, p.Phe205Leu (NM_001114107.5); c.495C>A, p.Phe165Leu (NM_001257962.2); c.258C>A, p.Phe86Leu (NM_001257963.2); short protein forms F205L, F86L, F165L, F253L.
Identifiers: ClinVar variation 3305567 (VCV003305567.1).